The following is an entry in ClinVar:

NM_001130438.3(SPTAN1):c.3006+100G>C

Gene: SPTAN1 (spectrin alpha, non-erythrocytic 1; plus strand). Cytogenetic location: 9q34.11.
Variant type: single nucleotide variant.
Coding change: c.3006+100G>C on transcript NM_001130438.3 (MANE Select); 100 bases into the intron after coding-DNA position 3006, G replaced by C.
Molecular consequence: intron variant.
Genome position (GRCh38, 1-based): chr9:128,589,043, G>C. VCF-style: chr9-128589043-G-C. GRCh37 (hg19) VCF-style: chr9-131351322-G-C.
Other names: c.3006+100G>C (NM_001363759.2, NM_003127.4, NM_001363765.2 and 1 more transcripts).
Identifiers: ClinVar variation 675169 (VCV000675169.2), dbSNP rs62584843, ClinGen allele CA13137332.

ClinVar aggregate classification (germline): Benign. Review status: criteria provided, multiple submitters, no conflicts (2 of 4 stars). 2 submissions from 2 submitters: Benign (2). Last evaluated 2018-06-16.

Allele frequency attached by ClinVar (database versions not stated): 1000 Genomes Project 30x 0.01546; 1000 Genomes Project 0.01577; TOPMed 0.03534; gnomAD 0.03786 and 0.03873.
gnomAD v4.1: 71,507 of 1,520,340 alleles (4.7%); highest among the groups gnomAD compares: Non-Finnish European, 5.4%; 1,936 homozygotes.

Submissions (2):

GeneDx
Classification: Benign. Last evaluated: 2018-06-16. Review status: criteria provided, single submitter. Criteria: GeneDx Variant Classification (06012015). Collection method: clinical testing. Allele origin: germline. Affected: yes.
Comment: This variant is considered likely benign or benign based on one or more of the following criteria: it is a conservative change, it occurs at a poorly conserved position in the protein, it is predicted to be benign by multiple in silico algorithms, and/or has population frequency not consistent with disease.

Breakthrough Genomics
Classification: Benign. Review status: criteria provided, single submitter. Criteria: ACMG Guidelines, 2015. Collection method: not provided. Allele origin: germline. Inheritance: Autosomal dominant inheritance. Affected: yes.